The following is an entry in ClinVar:

NM_001042492.3(NF1):c.2256A>T (p.Arg752Ser)

Gene: NF1 (neurofibromin 1; plus strand). Cytogenetic location: 17q11.2.
Variant type: single nucleotide variant.
Coding change: c.2256A>T on transcript NM_001042492.3 (MANE Select); coding-DNA position 2256, A replaced by T.
Protein change: p.Arg752Ser; replaces arginine 752 with serine.
Molecular consequence: missense variant.
Genome position (GRCh38, 1-based): chr17:31,227,222, A>T. VCF-style: chr17-31227222-A-T. GRCh37 (hg19) VCF-style: chr17-29554240-A-T.
Other names: c.2256A>T, p.Arg752Ser (NM_000267.4); short protein forms R752S.
Identifiers: ClinVar variation 959529 (VCV000959529.7), dbSNP rs2067030522, ClinGen allele CA398982676.

ClinVar aggregate classification (germline): Uncertain significance. Review status: criteria provided, multiple submitters, no conflicts (2 of 4 stars). 2 submissions from 2 submitters: Uncertain significance (2). Last evaluated 2025-10-10.

Conditions:
Hereditary cancer-predisposing syndrome. Also called: Hereditary neoplastic syndrome; Tumor predisposition; Neoplastic Syndromes, Hereditary; Hereditary Cancer Syndrome. Identifiers: Orphanet 140162, MedGen C0027672, MeSH D009386, MONDO:0015356.
Cardiovascular phenotype. Identifiers: MedGen CN230736.
Neurofibromatosis, type 1 (NF1). Also called: Peripheral type neurofibromatosis; VON RECKLINGHAUSEN DISEASE; NEUROFIBROMATOSIS, TYPE I, SOMATIC; Neurofibromatosis, type I. Identifiers: Orphanet 636, MedGen C0027831, MONDO:0018975, OMIM 162200. Disease mechanism: loss of function.

Allele frequency attached by ClinVar (database versions not stated): gnomAD exomes below 0.00001.
gnomAD v4.1: 5 of 1,613,636 alleles (0.00031%); highest among the groups gnomAD compares: Non-Finnish European, 0.00042%; no homozygotes.

Submissions (2):

Labcorp Genetics (formerly Invitae), Labcorp
Classification: Uncertain significance for Neurofibromatosis, type 1. Last evaluated: 2025-10-10. Review status: criteria provided, single submitter. Criteria: Invitae Variant Classification Sherloc (09022015). Collection method: clinical testing. Allele origin: germline.
Comment: This sequence change replaces arginine, which is basic and polar, with serine, which is neutral and polar, at codon 752 of the NF1 protein (p.Arg752Ser). This variant is not present in population databases (gnomAD no frequency). This variant has not been reported in the literature in individuals affected with NF1-related conditions. ClinVar contains an entry for this variant (Variation ID: 959529). Invitae Evidence Modeling of protein sequence and biophysical properties (such as structural, functional, and spatial information, amino acid conservation, physicochemical variation, residue mobility, and thermodynamic stability) has been performed for this missense variant. However, the output from this modeling did not meet the statistical confidence thresholds required to predict the impact of this variant on NF1 protein function. In summary, the available evidence is currently insufficient to determine the role of this variant in disease. Therefore, it has been classified as a Variant of Uncertain Significance.

Ambry Genetics
Classification: Uncertain significance for Cardiovascular phenotype; Hereditary cancer-predisposing syndrome. Last evaluated: 2025-07-18. Review status: criteria provided, single submitter. Criteria: Ambry Variant Classification Scheme 2023. Collection method: clinical testing. Allele origin: germline.
Comment: The p.R752S variant (also known as c.2256A>T), located in coding exon 19 of the NF1 gene, results from an A to T substitution at nucleotide position 2256. The arginine at codon 752 is replaced by serine, an amino acid with dissimilar properties. This amino acid position is conserved. In addition, this alteration is predicted to be deleterious by in silico analysis. Based on the available evidence, the clinical significance of this variant remains unclear.